The following is an entry in ClinVar:

NM_018896.5(CACNA1G):c.5782-13_5782-12delinsTA

Gene: CACNA1G (calcium voltage-gated channel subunit alpha1 G; plus strand). Cytogenetic location: 17q21.33.
Variant type: Indel.
Coding change: c.5782-13_5782-12delinsTA on transcript NM_018896.5 (MANE Select); 13 bases into the intron before coding-DNA position 5782 through 12 bases into the intron before coding-DNA position 5782, GC replaced by TA.
Molecular consequence: intron variant.
Genome position (GRCh38, 1-based): chr17:50,619,670-50,619,671, GC replaced by TA. VCF-style: chr17-50619670-GC-TA. GRCh37 (hg19) VCF-style: chr17-48697031-GC-TA.
Other names: c.5802+662_5802+663delinsTA (NM_001256325.2); c.5749-13_5749-12delinsTA (NM_198377.3, NM_198380.3); c.5748+662_5748+663delinsTA (NM_198378.3, NM_001256334.2); c.5782-13_5782-12delinsTA (NM_198385.3); c.5781+662_5781+663delinsTA (NM_198384.3, NM_001256333.2); c.5760+662_5760+663delinsTA (NM_001256327.2); c.5728-13_5728-12delinsTA (NM_001256324.2); c.5727+662_5727+663delinsTA (NM_198386.3); and 12 more.
Identifiers: ClinVar variation 1939298 (VCV001939298.5), dbSNP rs2545784473, ClinGen allele CA2580094222.

ClinVar aggregate classification (germline): Uncertain significance (1 of 4 stars; one submission).

Submission:

Labcorp Genetics (formerly Invitae), Labcorp
Classification: Uncertain significance. Last evaluated: 2025-11-07. Review status: criteria provided, single submitter. Criteria: Invitae Variant Classification Sherloc (09022015). Collection method: clinical testing. Allele origin: germline.
Comment: This sequence change falls in intron 33 of the CACNA1G gene. It does not directly change the encoded amino acid sequence of the CACNA1G protein. Information on the frequency of this variant in the gnomAD database is not available, as this variant may be reported differently in the database. This variant has not been reported in the literature in individuals affected with CACNA1G-related conditions. ClinVar contains an entry for this variant (Variation ID: 1939298). Experimental studies and prediction algorithms are not available or were not evaluated, and the effect of this variant on mRNA splicing is currently unknown. In summary, the available evidence is currently insufficient to determine the role of this variant in disease. Therefore, it has been classified as a Variant of Uncertain Significance.